The following is an entry in ClinVar:

ClinVar aggregate classification (germline): Conflicting classifications of pathogenicity. Review status: criteria provided, conflicting classifications (1 of 4 stars). 8 submissions from 8 submitters: Uncertain significance (7); Likely benign (1). Last evaluated 2026-05-01.

Conditions:
TTN-related disorder. Also called: TTN-related disorders; TTN-related condition; TTN-related disease.
Cardiovascular phenotype. Identifiers: MedGen CN230736.
Autosomal recessive limb-girdle muscular dystrophy type 2J (LGMDR10). Also called: Limb-girdle muscular dystrophy, type 2J; MUSCULAR DYSTROPHY, LIMB-GIRDLE, AUTOSOMAL RECESSIVE 10. Identifiers: Orphanet 140922, MedGen C1837342, MONDO:0012127, OMIM 608807.
Dilated cardiomyopathy 1G (CMD1G). Identifiers: Orphanet 154, MedGen C1858763, MONDO:0011400, OMIM 604145.
Cardiomyopathy (CMYO). Also called: Cardiomyopathies. Identifiers: Orphanet 167848, MedGen C0878544, MONDO:0004994, HP:0001638. Inheritance: Various modes of inheritance.

Allele frequency attached by ClinVar (database versions not stated): gnomAD 0.00001; TOPMed 0.00001; ExAC 0.00003; gnomAD exomes 0.00003 and 0.00005.
gnomAD v4.1: 79 of 1,613,534 alleles (0.0049%); highest among the groups gnomAD compares: Non-Finnish European, 0.0066%; no homozygotes.

Submissions (8):

Women's Health and Genetics/Laboratory Corporation of America, LabCorp
Classification: Uncertain significance. Last evaluated: 2026-05-01. Review status: criteria provided, single submitter. Criteria: LabCorp Variant Classification Summary - May 2015. Collection method: clinical testing. Allele origin: germline.
Comment: Variant summary: TTN c.78416G>A (p.Gly26139Glu) results in a non-conservative amino acid change in the encoded protein sequence. Algorithms developed to predict the effect of missense changes on protein structure and function are either unavailable or do not agree on the potential impact of this missense change. The variant allele was found at a frequency of 2.8e-05 in 247404 control chromosomes. The available data on variant occurrences in the general population are insufficient to allow any conclusion about variant significance. c.78416G>A has been observed in individual(s) affected with Cardiomyopathy (Thomson_2019). These report(s) do not provide unequivocal conclusions about association of the variant with Cardiomyopathy. To our knowledge, no experimental evidence demonstrating an impact on protein function has been reported. The following publication have been ascertained in the context of this evaluation (PMID: 30531895). ClinVar contains an entry for this variant (Variation ID: 404872). Based on the evidence outlined above, the variant was classified as uncertain significance.

Molecular Diagnostic Laboratory for Inherited Cardiovascular Disease, Montreal Heart Institute
Classification: Likely benign. Last evaluated: 2025-04-09. Review status: criteria provided, single submitter. Criteria: ACMG Guidelines, 2015. Collection method: clinical testing. Allele origin: germline. Affected: no.

Blueprint Genetics
Classification: Uncertain significance. Last evaluated: 2023-12-05. Review status: criteria provided, single submitter. Criteria: ACMG Guidelines, 2015. Collection method: clinical testing. Allele origin: germline.

PreventionGenetics, part of Exact Sciences
Classification: Uncertain significance for TTN-related condition. Last evaluated: 2023-06-22. Review status: criteria provided, single submitter. Criteria: ACMG Guidelines, 2015. Collection method: clinical testing. Allele origin: germline.
Comment: The TTN c.86120G>A variant is predicted to result in the amino acid substitution p.Gly28707Glu. To our knowledge, this variant has not been reported in the literature. This variant is reported in 0.0054% of alleles in individuals of European (Non-Finnish) descent in gnomAD. At this time, the clinical significance of this variant is uncertain due to the absence of conclusive functional and genetic evidence.

Athena Diagnostics
Classification: Uncertain significance. Last evaluated: 2021-08-05. Review status: criteria provided, single submitter. Criteria: Athena Diagnostics Criteria. Collection method: clinical testing. Allele origin: unknown.

Ambry Genetics
Classification: Uncertain significance for Cardiovascular phenotype. Last evaluated: 2019-11-01. Review status: criteria provided, single submitter. Criteria: Ambry Variant Classification Scheme 2023. Collection method: clinical testing. Allele origin: germline.
Comment: The p.G19642E variant (also known as c.58925G>A), located in coding exon 153 of the TTN gene, results from a G to A substitution at nucleotide position 58925. The glycine at codon 19642 is replaced by glutamic acid, an amino acid with similar properties. This amino acid position is not well conserved in available vertebrate species. In addition, this alteration is predicted to be tolerated by in silico analysis. Since supporting evidence is limited at this time, the clinical significance of this alteration remains unclear.

Labcorp Genetics (formerly Invitae), Labcorp
Classification: Uncertain significance for Dilated cardiomyopathy 1G; Autosomal recessive limb-girdle muscular dystrophy type 2J. Last evaluated: 2016-09-20. Review status: criteria provided, single submitter. Criteria: Invitae Variant Classification Sherloc (09022015). Collection method: clinical testing. Allele origin: germline.

CHEO Genetics Diagnostic Laboratory, Children's Hospital of Eastern Ontario
Classification: Uncertain significance for Cardiomyopathy. Last evaluated: 2016-04-13. Review status: criteria provided, single submitter. Criteria: ACMG Guidelines, 2015. Collection method: clinical testing. Allele origin: germline. Study: Canadian Open Genetics Repository.

Literature cited by the submitters: PubMed 30531895 (cited by Women's Health and Genetics/Laboratory Corporation of America, LabCorp).

NM_001267550.2(TTN):c.86120G>A (p.Gly28707Glu)

Genes: TTN (titin; minus strand), TTN-AS1 (TTN antisense RNA 1; plus strand). Cytogenetic location: 2q31.2.
Variant type: single nucleotide variant.
Coding change: c.86120G>A on transcript NM_001267550.2 (MANE Select); coding-DNA position 86120, G replaced by A.
Protein change: p.Gly28707Glu; replaces glycine 28707 with glutamic acid.
Molecular consequence: missense variant.
Genome position (GRCh38, 1-based): chr2:178,560,012, C>T on the plus strand (G>A on the coding strand, the complement: TTN is on the minus strand). VCF-style: chr2-178560012-C-T. GRCh37 (hg19) VCF-style: chr2-179424739-C-T.
Other names: c.81197G>A, p.Gly27066Glu (NM_001256850.1); c.58925G>A, p.Gly19642Glu (NM_003319.4); c.78416G>A, p.Gly26139Glu (NM_133378.4); c.59300G>A, p.Gly19767Glu (NM_133432.3); c.59501G>A, p.Gly19834Glu (NM_133437.4); c.86120G>A (NM_001267550.1); short protein forms G28707E, G27066E, G19642E, G19767E, G26139E, G19834E.
Identifiers: ClinVar variation 404872 (VCV000404872.12), dbSNP rs754207859, ClinGen allele CA1988553.